The following is an entry in ClinVar:

NM_003705.5(SLC25A12):c.1157T>C (p.Phe386Ser)

Gene: SLC25A12 (solute carrier family 25 member 12; minus strand). Cytogenetic location: 2q31.1.
Variant type: single nucleotide variant.
Coding change: c.1157T>C on transcript NM_003705.5 (MANE Select); coding-DNA position 1157, T replaced by C.
Protein change: p.Phe386Ser; replaces phenylalanine 386 with serine.
Molecular consequence: missense variant. On other transcripts: non-coding transcript variant (1).
Genome position (GRCh38, 1-based): chr2:171,813,353, A>G on the plus strand (T>C on the coding strand, the complement: SLC25A12 is on the minus strand). VCF-style: chr2-171813353-A-G. GRCh37 (hg19) VCF-style: chr2-172669863-A-G.
Other names: c.1157T>C (NM_003705.3); short protein forms F386S.
Identifiers: ClinVar variation 1036886 (VCV001036886.7), dbSNP rs375107479, ClinGen allele CA1966210.

ClinVar aggregate classification (germline): Uncertain significance. Review status: criteria provided, multiple submitters, no conflicts (2 of 4 stars). 2 submissions from 2 submitters: Uncertain significance (2). Last evaluated 2025-02-12.

Conditions:
Inborn genetic diseases. Identifiers: MedGen C0950123, MeSH D030342.

Allele frequency attached by ClinVar (database versions not stated): gnomAD exomes below 0.00001 and 0.00001; gnomAD 0.00001; TOPMed 0.00001; ExAC 0.00002; ESP Exome Variant Server 0.00008.
gnomAD v4.1: 8 of 1,613,950 alleles (0.0005%); highest among the groups gnomAD compares: African/African-American, 0.0013%; no homozygotes.

Submissions (2):

Ambry Genetics
Classification: Uncertain significance for Inborn genetic diseases. Last evaluated: 2025-02-12. Review status: criteria provided, single submitter. Criteria: Ambry Variant Classification Scheme 2023. Collection method: clinical testing. Allele origin: germline.

Labcorp Genetics (formerly Invitae), Labcorp
Classification: Uncertain significance. Last evaluated: 2021-08-20. Review status: criteria provided, single submitter. Criteria: Invitae Variant Classification Sherloc (09022015). Collection method: clinical testing. Allele origin: germline.
Comment: This sequence change replaces phenylalanine with serine at codon 386 of the SLC25A12 protein (p.Phe386Ser). The phenylalanine residue is moderately conserved and there is a large physicochemical difference between phenylalanine and serine. This variant is present in population databases (rs375107479, ExAC 0.003%). This variant has not been reported in the literature in individuals affected with SLC25A12-related conditions. Algorithms developed to predict the effect of missense changes on protein structure and function (SIFT, PolyPhen-2, Align-GVGD) all suggest that this variant is likely to be tolerated. In summary, the available evidence is currently insufficient to determine the role of this variant in disease. Therefore, it has been classified as a Variant of Uncertain Significance.